The following is an entry in ClinVar:

NM_018834.6(MATR3):c.1602+5T>G

Gene: MATR3 (matrin 3; plus strand). Cytogenetic location: 5q31.2.
Variant type: single nucleotide variant.
Coding change: c.1602+5T>G on transcript NM_018834.6 (MANE Select); 5 bases into the intron after coding-DNA position 1602, T replaced by G.
Molecular consequence: intron variant.
Genome position (GRCh38, 1-based): chr5:139,319,506, T>G. VCF-style: chr5-139319506-T-G. GRCh37 (hg19) VCF-style: chr5-138655195-T-G.
Other names: c.1602+5T>G (NM_001400451.1, NM_001400450.1, NM_001400441.1 and 16 more transcripts); c.741+5T>G (NM_001400459.1); c.588+5T>G (NM_001400463.1, NM_001400460.1, NM_001282278.2 and 5 more transcripts); c.702+5T>G (NM_001400461.1); c.738+5T>G (NM_001194956.2).
Identifiers: ClinVar variation 3352590 (VCV003352590.1).

ClinVar aggregate classification (germline): Likely benign (0 of 4 stars; one submission).

Conditions:
MATR3-related disorder. Also called: MATR3-related condition.

Submission:

PreventionGenetics, part of Exact Sciences
Classification: Likely benign for MATR3-related condition. Last evaluated: 2024-08-06. Review status: no assertion criteria provided. Collection method: clinical testing. Allele origin: germline.
Comment: This variant is classified as likely benign based on ACMG/AMP sequence variant interpretation guidelines (Richards et al. 2015 PMID: 25741868, with internal and published modifications).